The following is an entry in ClinVar:

ClinVar aggregate classification (germline): Likely pathogenic (1 of 4 stars; one submission).

Submission:

Labcorp Genetics (formerly Invitae), Labcorp
Classification: Likely pathogenic. Last evaluated: 2022-06-27. Review status: criteria provided, single submitter. Criteria: Invitae Variant Classification Sherloc (09022015). Collection method: clinical testing. Allele origin: germline.
Comment: In summary, the currently available evidence indicates that the variant is pathogenic, but additional data are needed to prove that conclusively. Therefore, this variant has been classified as Likely Pathogenic. Experimental studies and prediction algorithms are not available or were not evaluated, and the functional significance of this variant is currently unknown. This variant has not been reported in the literature in individuals affected with ARID1B-related conditions. This variant results in a copy number gain of the genomic region encompassing exon(s) 10-13 of the ARID1B gene. While the exact position of this variant cannot be determined from the data, sub-genic copy number gains are generally in tandem (PMID: 25640679). This variant is predicted to be out-of-frame, and may result in an absent or disrupted protein product. Loss-of-function variants in ARID1B are known to be pathogenic (PMID: 25674384, 30349098).

Literature cited by the submitters: PubMed 25640679; PubMed 25674384; PubMed 30349098.

NC_000006.11:g.(?_157488154)_(157505589_?)dup

Gene: ARID1B (AT-rich interaction domain 1B; plus strand). Cytogenetic location: 6q25.3.
Variant type: Duplication.
Identifiers: ClinVar variation 2426586 (VCV002426586.4).